The following is an entry in ClinVar:

NM_022726.4(ELOVL4):c.826C>A (p.Pro276Thr)

Gene: ELOVL4 (ELOVL fatty acid elongase 4; minus strand). Cytogenetic location: 6q14.1.
Variant type: single nucleotide variant.
Coding change: c.826C>A on transcript NM_022726.4 (MANE Select); coding-DNA position 826, C replaced by A.
Protein change: p.Pro276Thr; replaces proline 276 with threonine.
Molecular consequence: missense variant.
Genome position (GRCh38, 1-based): chr6:79,916,727, G>T on the plus strand (C>A on the coding strand, the complement: ELOVL4 is on the minus strand). VCF-style: chr6-79916727-G-T. GRCh37 (hg19) VCF-style: chr6-80626444-G-T.
Other names: short protein forms P276T.
Identifiers: ClinVar variation 2120340 (VCV002120340.4), dbSNP rs2127697586, ClinGen allele CA364655760.

ClinVar aggregate classification (germline): Uncertain significance (1 of 4 stars; one submission).

Allele frequency attached by ClinVar (database versions not stated): gnomAD exomes below 0.00001; gnomAD 0.00001.

Submission:

Labcorp Genetics (formerly Invitae), Labcorp
Classification: Uncertain significance. Last evaluated: 2022-05-20. Review status: criteria provided, single submitter. Criteria: Invitae Variant Classification Sherloc (09022015). Collection method: clinical testing. Allele origin: germline.
Comment: This variant has not been reported in the literature in individuals affected with ELOVL4-related conditions. This sequence change replaces proline, which is neutral and non-polar, with threonine, which is neutral and polar, at codon 276 of the ELOVL4 protein (p.Pro276Thr). This variant is not present in population databases (gnomAD no frequency). Algorithms developed to predict the effect of missense changes on protein structure and function output the following: SIFT: "Tolerated"; PolyPhen-2: "Benign"; Align-GVGD: "Class C0". The threonine amino acid residue is found in multiple mammalian species, which suggests that this missense change does not adversely affect protein function. In summary, the available evidence is currently insufficient to determine the role of this variant in disease. Therefore, it has been classified as a Variant of Uncertain Significance.